The following is an entry in ClinVar:

ClinVar aggregate classification (germline): Uncertain significance. Review status: criteria provided, multiple submitters, no conflicts (2 of 4 stars). 2 submissions from 2 submitters: Uncertain significance (2). Last evaluated 2025-12-10.

Conditions:
Inborn genetic diseases. Identifiers: MedGen C0950123, MeSH D030342.

Allele frequency attached by ClinVar (database versions not stated): gnomAD 0.00001; TOPMed 0.00002; gnomAD exomes 0.00003.
gnomAD v4.1: 52 of 1,613,836 alleles (0.0032%); highest among the groups gnomAD compares: Non-Finnish European, 0.0041%; no homozygotes.

Submissions (2):

Ambry Genetics
Classification: Uncertain significance for Inborn genetic diseases. Last evaluated: 2025-12-10. Review status: criteria provided, single submitter. Criteria: Ambry Variant Classification Scheme 2023. Collection method: clinical testing. Allele origin: germline.

Labcorp Genetics (formerly Invitae), Labcorp
Classification: Uncertain significance. Last evaluated: 2023-01-21. Review status: criteria provided, single submitter. Criteria: Invitae Variant Classification Sherloc (09022015). Collection method: clinical testing. Allele origin: germline.
Comment: In summary, the available evidence is currently insufficient to determine the role of this variant in disease. Therefore, it has been classified as a Variant of Uncertain Significance. Advanced modeling of protein sequence and biophysical properties (such as structural, functional, and spatial information, amino acid conservation, physicochemical variation, residue mobility, and thermodynamic stability) performed at Invitae indicates that this missense variant is not expected to disrupt DEAF1 protein function. This variant has not been reported in the literature in individuals affected with DEAF1-related conditions. The frequency data for this variant in the population databases is considered unreliable, as metrics indicate poor data quality at this position in the gnomAD database. This sequence change replaces glutamine, which is neutral and polar, with arginine, which is basic and polar, at codon 377 of the DEAF1 protein (p.Gln377Arg).

NM_021008.4(DEAF1):c.1130A>G (p.Gln377Arg)

Gene: DEAF1 (DEAF1 transcription factor; minus strand). Cytogenetic location: 11p15.5.
Variant type: single nucleotide variant.
Coding change: c.1130A>G on transcript NM_021008.4 (MANE Select); coding-DNA position 1130, A replaced by G.
Protein change: p.Gln377Arg; replaces glutamine 377 with arginine.
Molecular consequence: missense variant.
Genome position (GRCh38, 1-based): chr11:678,819, T>C on the plus strand (A>G on the coding strand, the complement: DEAF1 is on the minus strand). VCF-style: chr11-678819-T-C. GRCh37 (hg19) VCF-style: chr11-678819-T-C.
Other names: c.863A>G, p.Gln288Arg (NM_001293634.2); c.404A>G, p.Gln135Arg (NM_001367390.1); c.1130A>G (NM_021008.2); short protein forms Q135R, Q288R, Q377R.
Identifiers: ClinVar variation 2998961 (VCV002998961.4), dbSNP rs1280290706, ClinGen allele CA378925725.